The following is an entry in ClinVar:

NM_006267.5(RANBP2):c.4794A>G (p.Gly1598=)

Gene: RANBP2 (RAN binding protein 2; plus strand). Cytogenetic location: 2q13.
Variant type: single nucleotide variant.
Coding change: c.4794A>G on transcript NM_006267.5 (MANE Select); coding-DNA position 4794, A replaced by G.
Protein change: p.Gly1598=; no amino-acid change (glycine 1598 retained).
Molecular consequence: synonymous variant.
Genome position (GRCh38, 1-based): chr2:108,765,333, A>G. VCF-style: chr2-108765333-A-G. GRCh37 (hg19) VCF-style: chr2-109381789-A-G.
Other names: c.4794A>G, p.Gly1598= (NM_001415871.1, NM_001415873.1); c.4791A>G, p.Gly1597= (NM_001415872.1).
Identifiers: ClinVar variation 2651252 (VCV002651252.24), dbSNP rs763518484, ClinGen allele CA1823176.
Genomic context (GRCh38, chr2:108,765,333, plus strand): 5'-TCCAGCTCCTGCCTCTTTTAAGTTTGGTACTTCAGAGACAAGCAAGGCTCCAAAGAGCGG[A>G]TTTGAGGGAATGTTCACTAAGAAGGAGGGACAGTGGGATTGCAGTGTGTGCTTAGTAAGA-3'
Protein context (NP_006258.3, residues 1588-1608): TSETSKAPKS[Gly1598=]FEGMFTKKEG

ClinVar aggregate classification (germline): Likely benign (1 of 4 stars; one submission).

Allele frequency attached by ClinVar (database versions not stated): ExAC 0.00002; gnomAD exomes 0.00002.
gnomAD v4.1: 15 of 1,613,728 alleles (0.00093%); highest among the groups gnomAD compares: Non-Finnish European, 0.00051%; no homozygotes.

Submission:

CeGaT Center for Human Genetics Tuebingen
Classification: Likely benign. Last evaluated: 2022-08-01. Review status: criteria provided, single submitter. Criteria: CeGaT Center For Human Genetics Tuebingen Variant Classification Criteria Version 2. Collection method: clinical testing. Allele origin: germline. Affected: yes. Observed: 1 variant allele.
Comment: RANBP2: BP4, BP7